The following is an entry in ClinVar:

NM_001378454.1(ALMS1):c.2486A>G (p.His829Arg)

Gene: ALMS1 (ALMS1 centrosome and basal body associated protein; plus strand). Cytogenetic location: 2p13.1.
Variant type: single nucleotide variant.
Coding change: c.2486A>G on transcript NM_001378454.1 (MANE Select); coding-DNA position 2486, A replaced by G.
Protein change: p.His829Arg; replaces histidine 829 with arginine.
Molecular consequence: missense variant.
Genome position (GRCh38, 1-based): chr2:73,449,013, A>G. VCF-style: chr2-73449013-A-G. GRCh37 (hg19) VCF-style: chr2-73676140-A-G.
Other names: c.2489A>G, p.His830Arg (NM_015120.4); short protein forms H830R, H829R.
Identifiers: ClinVar variation 392544 (VCV000392544.12), dbSNP rs370830603, ClinGen allele CA1713359.

ClinVar aggregate classification (germline): Conflicting classifications of pathogenicity. Review status: criteria provided, conflicting classifications (1 of 4 stars). 5 submissions from 5 submitters: Uncertain significance (2); Likely benign (1). 2 of the submissions do not count toward it. Last evaluated 2026-10-08.

Conditions:
Alstrom syndrome (ALMS). Identifiers: Orphanet 64, MedGen C0268425, MONDO:0008763, OMIM 203800.
Cardiovascular phenotype. Identifiers: MedGen CN230736.

Allele frequency attached by ClinVar (database versions not stated): gnomAD exomes 0.00002 and 0.00005; gnomAD 0.00004 and 0.00003; ExAC 0.00001; TOPMed 0.00004; ESP Exome Variant Server 0.00008.
gnomAD v4.1: 88 of 1,613,826 alleles (0.0055%); highest among the groups gnomAD compares: Non-Finnish European, 0.0063%; no homozygotes.

Submissions (5):

GeneDx
Classification: Uncertain significance. Last evaluated: 2026-10-08. Review status: criteria provided, single submitter. Criteria: GeneDx Variant Classification Process June 2021. Collection method: clinical testing. Allele origin: germline.
Comment: Not observed at significant frequency in large population cohorts (gnomAD); In silico analysis suggests that this missense variant does not alter protein structure/function; Has not been previously published as pathogenic or benign to our knowledge

Ambry Genetics
Classification: Likely benign for Cardiovascular phenotype. Last evaluated: 2025-07-18. Review status: criteria provided, single submitter. Criteria: Ambry Variant Classification Scheme 2023. Collection method: clinical testing. Allele origin: germline.

Labcorp Genetics (formerly Invitae), Labcorp
Classification: Uncertain significance for Alstrom syndrome. Last evaluated: 2024-03-21. Review status: criteria provided, single submitter. Criteria: Invitae Variant Classification Sherloc (09022015). Collection method: clinical testing. Allele origin: germline.
Comment: This sequence change replaces histidine, which is basic and polar, with arginine, which is basic and polar, at codon 830 of the ALMS1 protein (p.His830Arg). This variant is present in population databases (rs370830603, gnomAD 0.007%). This variant has not been reported in the literature in individuals affected with ALMS1-related conditions. ClinVar contains an entry for this variant (Variation ID: 392544). Experimental studies and prediction algorithms are not available or were not evaluated, and the functional significance of this variant is currently unknown. In summary, the available evidence is currently insufficient to determine the role of this variant in disease. Therefore, it has been classified as a Variant of Uncertain Significance.

Natera, Inc.
Classification: Uncertain significance for Alstrom syndrome. Last evaluated: 2020-01-17. Review status: no assertion criteria provided. Collection method: clinical testing. Allele origin: germline. Not counted in ClinVar's aggregate classification.

Counsyl
Classification: Uncertain significance for Alstrom syndrome. Last evaluated: 2017-06-01. Review status: no assertion criteria provided. Collection method: clinical testing. Allele origin: unknown. Not counted in ClinVar's aggregate classification.